The following is an entry in ClinVar:

ClinVar aggregate classification (germline): Benign/Likely benign. Review status: criteria provided, multiple submitters, no conflicts (2 of 4 stars). 5 submissions from 5 submitters: Benign (1); Likely benign (3). 1 of the submissions does not count toward it. Last evaluated 2025-07-08.

Conditions:
Hereditary cancer-predisposing syndrome. Also called: Tumor predisposition; Hereditary Cancer Syndrome; Hereditary neoplastic syndrome; Neoplastic Syndromes, Hereditary. Identifiers: Orphanet 140162, MedGen C0027672, MeSH D009386, MONDO:0015356.
Familial cancer of breast. Also called: hereditary breast carcinoma; BREAST CANCER, FAMILIAL; Hereditary breast cancer. Identifiers: Orphanet 227535, MedGen C0346153, MONDO:0016419, OMIM 114480. Disease mechanism: loss of function.
Ataxia-telangiectasia syndrome (AT). Also called: Ataxia telangiectasia (A-T); LOUIS-BAR SYNDROME; Cerebello-oculocutaneous telangiectasia; Immunodeficiency with ataxia telangiectasia; ATAXIA-TELANGIECTASIA, COMPLEMENTATION GROUP A; ATAXIA-TELANGIECTASIA, FRESNO VARIANT. Identifiers: Orphanet 100, MedGen C0004135, MONDO:0008840, OMIM 208900.
Malignant tumor of breast. Also called: Malignant breast neoplasm; Cancer breast. Identifiers: MedGen C0006142, MONDO:0007254. Disease mechanism: loss of function.

Submissions (5):

Labcorp Genetics (formerly Invitae), Labcorp
Classification: Likely benign for Ataxia-telangiectasia syndrome. Last evaluated: 2025-07-08. Review status: criteria provided, single submitter. Criteria: Invitae Variant Classification Sherloc (09022015). Collection method: clinical testing. Allele origin: germline.

Center for Genomic Medicine, Rigshospitalet, Copenhagen University Hospital
Classification: Likely benign. Last evaluated: 2025-03-04. Review status: criteria provided, single submitter. Criteria: ACMG Guidelines, 2015. Collection method: clinical testing. Allele origin: germline.

Myriad Genetics, Inc.
Classification: Benign for Familial cancer of breast. Last evaluated: 2024-05-22. Review status: criteria provided, single submitter. Criteria: Myriad Autosomal Dominant, Autosomal Recessive and X-Linked Classification Criteria (2023). Collection method: clinical testing. Allele origin: unknown.
Comment: This variant is considered benign. This variant is a silent/synonymous amino acid change and it is not expected to impact splicing.

Ambry Genetics
Classification: Likely benign for Hereditary cancer-predisposing syndrome. Last evaluated: 2023-03-02. Review status: criteria provided, single submitter. Criteria: Ambry Variant Classification Scheme 2023. Collection method: clinical testing. Allele origin: germline.

Department of Pathology and Laboratory Medicine, Sinai Health System
Classification: Uncertain significance for Malignant tumor of breast. Review status: no assertion criteria provided. Collection method: clinical testing. Allele origin: unknown. Affected: yes. Observed: 1 variant allele. Study: The Canadian Open Genetics Repository (COGR). Not counted in ClinVar's aggregate classification.
Comment: The ATM p.Thr1743= variant was not identified in the literature nor was it identified in the LOVD 3.0. The variant was identified in dbSNP (ID: rs878853519) as "With Likely benign allele", and in ClinVar (classified as likely benign by Invitae). The variant was not identified in the following control databases: the Exome Aggregation Consortium (August 8th 2016), or the Genome Aggregation Database (Feb 27, 2017). The p.Thr1743= variant is not expected to have clinical significance because it does not result in a change of amino acid and is not located in a known consensus splice site. In addition, in silico or computational prediction software programs (SpliceSiteFinder, MaxEntScan, NNSPLICE, GeneSplicer) do not predict a difference in splicing. In summary, based on the above information the clinical significance of this variant cannot be determined with certainty at this time. This variant is classified as a variant of uncertain significance.

NM_000051.4(ATM):c.5229A>G (p.Thr1743=)

Gene: ATM (ATM serine/threonine kinase; plus strand). Cytogenetic location: 11q22.3.
Variant type: single nucleotide variant.
Coding change: c.5229A>G on transcript NM_000051.4 (MANE Select); coding-DNA position 5229, A replaced by G.
Protein change: p.Thr1743=; no amino-acid change (threonine 1743 retained).
Molecular consequence: synonymous variant.
Genome position (GRCh38, 1-based): chr11:108,301,699, A>G. VCF-style: chr11-108301699-A-G. GRCh37 (hg19) VCF-style: chr11-108172426-A-G.
Other names: c.5229A>G, p.Thr1743= (NM_001351834.2).
Identifiers: ClinVar variation 236732 (VCV000236732.16), dbSNP rs878853519, ClinGen allele CA10582827.